The following is an entry in ClinVar:

NM_015001.3(SPEN):c.9880C>G (p.Gln3294Glu)

Gene: SPEN (spen family transcriptional repressor; plus strand). Cytogenetic location: 1p36.13.
Variant type: single nucleotide variant.
Coding change: c.9880C>G on transcript NM_015001.3 (MANE Select); coding-DNA position 9880, C replaced by G.
Protein change: p.Gln3294Glu; replaces glutamine 3294 with glutamic acid.
Molecular consequence: missense variant.
Genome position (GRCh38, 1-based): chr1:15,936,120, C>G. VCF-style: chr1-15936120-C-G. GRCh37 (hg19) VCF-style: chr1-16262615-C-G.
Other names: short protein forms Q3294E.
Identifiers: ClinVar variation 4055892 (VCV004055892.1).

ClinVar aggregate classification (germline): Uncertain significance (1 of 4 stars; one submission).

Submission:

GeneDx
Classification: Uncertain significance. Last evaluated: 2024-12-31. Review status: criteria provided, single submitter. Criteria: GeneDx Variant Classification Process June 2021. Collection method: clinical testing. Allele origin: germline. Affected: yes.
Comment: Not observed at significant frequency in large population cohorts (gnomAD); In silico analysis indicates that this missense variant does not alter protein structure/function; Has not been previously published as pathogenic or benign to our knowledge